The following is an entry in ClinVar:

ClinVar aggregate classification (germline): Uncertain significance (1 of 4 stars; one submission).

gnomAD v4.1: 2 of 1,613,990 alleles (0.00012%); highest among the groups gnomAD compares: Admixed American, 0.0017%; no homozygotes.

Submission:

Ambry Genetics
Classification: Uncertain significance. Last evaluated: 2024-12-19. Review status: criteria provided, single submitter. Criteria: Ambry Variant Classification Scheme 2023. Collection method: clinical testing. Allele origin: germline.
Comment: The p.C741Y variant (also known as c.2222G>A), located in coding exon 12 of the ATRIP gene, results from a G to A substitution at nucleotide position 2222. The cysteine at codon 741 is replaced by tyrosine, an amino acid with highly dissimilar properties. This amino acid position is conserved. In addition, this alteration is predicted to be deleterious by in silico analysis. Based on the available evidence, the clinical significance of this variant remains unclear.

NM_130384.3(ATRIP):c.2222G>A (p.Cys741Tyr)

Genes: ATRIP (ATR interacting protein; plus strand), ATRIP-TREX1 (ATRIP-TREX1 readthrough; plus strand). Cytogenetic location: 3p21.31.
Variant type: single nucleotide variant.
Coding change: c.2222G>A on transcript NM_130384.3 (MANE Select); coding-DNA position 2222, G replaced by A.
Protein change: p.Cys741Tyr; replaces cysteine 741 with tyrosine.
Molecular consequence: missense variant. On other transcripts: non-coding transcript variant (1).
Genome position (GRCh38, 1-based): chr3:48,464,997, G>A. VCF-style: chr3-48464997-G-A. GRCh37 (hg19) VCF-style: chr3-48506396-G-A.
Other names: c.1841G>A, p.Cys614Tyr (NM_001271022.2); c.1943G>A, p.Cys648Tyr (NM_001271023.2); c.2141G>A, p.Cys714Tyr (NM_032166.4); short protein forms C614Y, C648Y, C714Y, C741Y.
Identifiers: ClinVar variation 3809156 (VCV003809156.1).
Genomic context (GRCh38, chr3:48,464,997, plus strand): 5'-GGGACACGGTGCTGCTGCTGCACGGCCTATCGCAGAAGGACAAGCTCTTCATGATGCACT[G>A]CGTGGAGGTCCTGCATCAGTTTGACCAGGTGATGCCGGGGGTCAGCATGCTCATCCGAGG-3'
Protein context (NP_569055.1, residues 731-751): SQKDKLFMMH[Cys741Tyr]VEVLHQFDQV